The following is an entry in ClinVar:

ClinVar aggregate classification (germline): Uncertain significance (1 of 4 stars; one submission).

Allele frequency attached by ClinVar (database versions not stated): gnomAD exomes 0.00001; ExAC 0.00002; TOPMed 0.00002; gnomAD 0.00003.
gnomAD v4.1: 14 of 1,614,038 alleles (0.00087%); highest among the groups gnomAD compares: East Asian, 0.016%; no homozygotes.

Submission:

Labcorp Genetics (formerly Invitae), Labcorp
Classification: Uncertain significance. Last evaluated: 2022-05-17. Review status: criteria provided, single submitter. Criteria: Invitae Variant Classification Sherloc (09022015). Collection method: clinical testing. Allele origin: germline.
Comment: This sequence change replaces glycine, which is neutral and non-polar, with aspartic acid, which is acidic and polar, at codon 996 of the C5 protein (p.Gly996Asp). This variant is present in population databases (rs747276237, gnomAD 0.02%). This variant has not been reported in the literature in individuals affected with C5-related conditions. Algorithms developed to predict the effect of missense changes on protein structure and function are either unavailable or do not agree on the potential impact of this missense change (SIFT: "Tolerated"; PolyPhen-2: "Probably Damaging"; Align-GVGD: "Class C0"). In summary, the available evidence is currently insufficient to determine the role of this variant in disease. Therefore, it has been classified as a Variant of Uncertain Significance.

NM_001735.3(C5):c.2987G>A (p.Gly996Asp)

Gene: C5 (complement C5; minus strand). Cytogenetic location: 9q33.2.
Variant type: single nucleotide variant.
Coding change: c.2987G>A on transcript NM_001735.3 (MANE Select); coding-DNA position 2987, G replaced by A.
Protein change: p.Gly996Asp; replaces glycine 996 with aspartic acid.
Molecular consequence: missense variant.
Genome position (GRCh38, 1-based): chr9:120,989,735, C>T on the plus strand (G>A on the coding strand, the complement: C5 is on the minus strand). VCF-style: chr9-120989735-C-T. GRCh37 (hg19) VCF-style: chr9-123752013-C-T.
Other names: c.3005G>A, p.Gly1002Asp (NM_001317163.2); short protein forms G996D, G1002D.
Identifiers: ClinVar variation 1942669 (VCV001942669.2), dbSNP rs747276237, ClinGen allele CA5217598.
Genomic context (GRCh38, chr9:120,989,735, plus strand): 5'-ACAACGCTCATCAGCTCCGCCTCTGCACTCCCTTTGGGGAGGTGGGTTAGGATATTGATG[C>T]CTTCCTGACTTAGAACTGCAGACAAGATCTCACCTACAAGCAGTCCTGAAACAAAAAAGA-3'
Protein context (NP_001726.2, residues 986-1006): EILSAVLSQE[Gly996Asp]INILTHLPKG